The following is an entry in ClinVar:

ClinVar aggregate classification (germline): Uncertain significance (1 of 4 stars; one submission).

Submission:

Labcorp Genetics (formerly Invitae), Labcorp
Classification: Uncertain significance. Last evaluated: 2020-11-24. Review status: criteria provided, single submitter. Criteria: Invitae Variant Classification Sherloc (09022015). Collection method: clinical testing. Allele origin: germline.
Comment: In summary, the available evidence is currently insufficient to determine the role of this variant in disease. Therefore, it has been classified as a Variant of Uncertain Significance. Algorithms developed to predict the effect of sequence changes on RNA splicing suggest that this variant may create or strengthen a splice site, but this prediction has not been confirmed by published transcriptional studies. Algorithms developed to predict the effect of missense changes on protein structure and function are either unavailable or do not agree on the potential impact of this missense change (SIFT: "Tolerated"; PolyPhen-2: "Not Available"; Align-GVGD: "Class C0"). This variant has not been reported in the literature in individuals with CLTC-related conditions. This variant is not present in population databases (ExAC no frequency). This sequence change replaces proline with alanine at codon 1658 of the CLTC protein (p.Pro1658Ala). The proline residue is moderately conserved and there is a small physicochemical difference between proline and alanine.

NM_004859.4(CLTC):c.4960C>G (p.Pro1654Ala)

Gene: CLTC (clathrin heavy chain; plus strand). Cytogenetic location: 17q23.1.
Variant type: single nucleotide variant.
Coding change: c.4960C>G on transcript NM_004859.4 (MANE Select); coding-DNA position 4960, C replaced by G.
Protein change: p.Pro1654Ala; replaces proline 1654 with alanine.
Molecular consequence: missense variant.
Genome position (GRCh38, 1-based): chr17:59,693,784, C>G. VCF-style: chr17-59693784-C-G. GRCh37 (hg19) VCF-style: chr17-57771145-C-G.
Other names: c.4972C>G, p.Pro1658Ala (NM_001288653.2); short protein forms P1654A, P1658A.
Identifiers: ClinVar variation 1407317 (VCV001407317.8), dbSNP rs780043915, ClinGen allele CA400425816.